The following is an entry in ClinVar:

ClinVar aggregate classification (germline): Pathogenic (1 of 4 stars; one submission).

Conditions:
Familial hemophagocytic lymphohistiocytosis 3 (FHL3). Also called: UNC13D-Related Familial Hemophagocytic Lymphohistiocytosis (UNC13D-fHLH). Identifiers: Orphanet 540, MedGen C1837174, MONDO:0012146, OMIM 608898.

Submission:

Labcorp Genetics (formerly Invitae), Labcorp
Classification: Pathogenic for Familial hemophagocytic lymphohistiocytosis 3. Last evaluated: 2023-06-13. Review status: criteria provided, single submitter. Criteria: Invitae Variant Classification Sherloc (09022015). Collection method: clinical testing. Allele origin: germline.
Comment: This variant is not present in population databases (gnomAD no frequency). For these reasons, this variant has been classified as Pathogenic. This variant disrupts a region of the UNC13D protein in which other variant(s) (p.Arg1065*) have been determined to be pathogenic (PMID: 16278825, 21248318, 32542393). This suggests that this is a clinically significant region of the protein, and that variants that disrupt it are likely to be disease-causing. This variant has not been reported in the literature in individuals affected with UNC13D-related conditions. This sequence change creates a premature translational stop signal (p.Arg1065Glnfs*7) in the UNC13D gene. While this is not anticipated to result in nonsense mediated decay, it is expected to disrupt the last 26 amino acid(s) of the UNC13D protein.

Literature cited by the submitters: PubMed 16278825; PubMed 21248318; PubMed 32542393.

NM_199242.3(UNC13D):c.3194del (p.Arg1065fs)

Gene: UNC13D (unc-13 homolog D; minus strand). Cytogenetic location: 17q25.1.
Variant type: Deletion.
Coding change: c.3194del on transcript NM_199242.3 (MANE Select); coding-DNA position 3194, one base deleted (G; older notation c.3194delG).
Protein change: p.Arg1065fs; shifts the reading frame from arginine 1065.
Molecular consequence: frameshift variant.
Genome position (GRCh38, 1-based): chr17:75,828,044, C deleted on the plus strand (G on the coding strand, the reverse complement: UNC13D is on the minus strand). VCF-style (leftmost placement, unchanged base first): chr17-75828043-TC-T. GRCh37 (hg19) VCF-style: chr17-73824124-TC-T.
Other names: short protein forms R1065fs.
Identifiers: ClinVar variation 2804543 (VCV002804543.3), dbSNP rs2545974345, ClinGen allele CA2739268401.
Genomic context (GRCh38, chr17:75,828,043, plus strand): 5'-GGCATGCTGGGAGGCCTGCTTGGCCCGGTGCCGCCGCAGCCTCACAAAGACCTGGGCTTC[TC>T]GGTCACCCTTCCGGCCCTCCAGCAGCTGCAGGATTGGGTCCCCTGCGGAGAGAGGGGTTT-3'